The following is an entry in ClinVar:

ClinVar aggregate classification (germline): Conflicting classifications of pathogenicity. Review status: criteria provided, conflicting classifications (1 of 4 stars). 4 submissions from 4 submitters: Uncertain significance (3); Likely benign (1). Last evaluated 2025-02-01.

Conditions:
MYO18B-related disorder. Also called: MYO18B-related condition.
Inborn genetic diseases. Identifiers: MedGen C0950123, MeSH D030342.
Klippel-Feil anomaly-myopathy-facial dysmorphism syndrome. Also called: Klippel-feil syndrome 4, autosomal recessive, with nemaline myopathy and facial dysmorphism; Klippel-Feil syndrome 4, autosomal recessive, with myopathy and facial dysmorphism. Identifiers: Orphanet 447974, MedGen C4225285, MONDO:0014689, OMIM 616549.

Allele frequency attached by ClinVar (database versions not stated): gnomAD exomes 0.00013 and 0.00004; gnomAD 0.00038 and 0.00039; ESP Exome Variant Server 0.00041; TOPMed 0.00042; 1000 Genomes Project 0.00120; 1000 Genomes Project 30x 0.00125; ExAC 0.00013.
gnomAD v4.1: 133 of 1,613,934 alleles (0.0082%); highest among the groups gnomAD compares: African/African-American, 0.15%; no homozygotes.

Submissions (4):

Labcorp Genetics (formerly Invitae), Labcorp
Classification: Uncertain significance. Last evaluated: 2025-02-01. Review status: criteria provided, single submitter. Criteria: Invitae Variant Classification Sherloc (09022015). Collection method: clinical testing. Allele origin: germline.
Comment: This sequence change replaces threonine, which is neutral and polar, with arginine, which is basic and polar, at codon 121 of the MYO18B protein (p.Thr121Arg). This variant is present in population databases (rs372175819, gnomAD 0.2%). This variant has not been reported in the literature in individuals affected with MYO18B-related conditions. ClinVar contains an entry for this variant (Variation ID: 1028972). An algorithm developed to predict the effect of missense changes on protein structure and function (PolyPhen-2) suggests that this variant is likely to be disruptive. In summary, the available evidence is currently insufficient to determine the role of this variant in disease. Therefore, it has been classified as a Variant of Uncertain Significance.

PreventionGenetics, part of Exact Sciences
Classification: Likely benign for MYO18B-related condition. Last evaluated: 2024-11-06. Review status: criteria provided, single submitter. Criteria: ACMG Guidelines, 2015. Collection method: clinical testing. Allele origin: germline.
Comment: This variant is classified as likely benign based on ACMG/AMP sequence variant interpretation guidelines (Richards et al. 2015 PMID: 25741868, with internal and published modifications).

Ambry Genetics
Classification: Uncertain significance for Inborn genetic diseases. Last evaluated: 2023-03-27. Review status: criteria provided, single submitter. Criteria: Ambry Variant Classification Scheme 2023. Collection method: clinical testing. Allele origin: germline.

Baylor Genetics
Classification: Uncertain significance for Klippel-Feil anomaly-myopathy-facial dysmorphism syndrome. Last evaluated: 2020-05-05. Review status: criteria provided, single submitter. Criteria: ACMG Guidelines, 2015. Collection method: clinical testing. Allele origin: unknown. Affected: yes.
Comment: This variant was determined to be of uncertain significance according to ACMG Guidelines, 2015 [PMID:25741868].

NM_032608.7(MYO18B):c.362C>G (p.Thr121Arg)

Gene: MYO18B (myosin XVIIIB; plus strand). Cytogenetic location: 22q12.1.
Variant type: single nucleotide variant.
Coding change: c.362C>G on transcript NM_032608.7 (MANE Select); coding-DNA position 362, C replaced by G.
Protein change: p.Thr121Arg; replaces threonine 121 with arginine.
Molecular consequence: missense variant.
Genome position (GRCh38, 1-based): chr22:25,768,278, C>G. VCF-style: chr22-25768278-C-G. GRCh37 (hg19) VCF-style: chr22-26164245-C-G.
Other names: c.362C>G, p.Thr121Arg (NM_001318245.2); c.362C>G (NM_032608.6); short protein forms T121R.
Identifiers: ClinVar variation 1028972 (VCV001028972.7), dbSNP rs372175819, ClinGen allele CA10159562.